The following is an entry in ClinVar:

NM_001003787.4(STRADA):c.1255A>G (p.Thr419Ala)

Gene: STRADA (STE20 related adaptor alpha; minus strand). Cytogenetic location: 17q23.3.
Variant type: single nucleotide variant.
Coding change: c.1255A>G on transcript NM_001003787.4 (MANE Select); coding-DNA position 1255, A replaced by G.
Protein change: p.Thr419Ala; replaces threonine 419 with alanine.
Molecular consequence: missense variant. On other transcripts: 3 prime UTR variant (7), non-coding transcript variant (1).
Genome position (GRCh38, 1-based): chr17:63,703,640, T>C on the plus strand (A>G on the coding strand, the complement: STRADA is on the minus strand). VCF-style: chr17-63703640-T-C. GRCh37 (hg19) VCF-style: chr17-61781000-T-C.
Other names: c.1144A>G, p.Thr382Ala (NM_001003786.3); c.1081A>G, p.Thr361Ala (NM_001003788.3); c.*132A>G (NM_001165969.2, NM_001165970.2, NM_001363788.1 and 2 more transcripts); c.1231A>G, p.Thr411Ala (NM_001363786.1); c.1168A>G, p.Thr390Ala (NM_001363787.1); c.*44A>G (NM_001363790.1); c.*643A>G (NM_153335.6); short protein forms T361A, T419A, T390A, T411A, T382A.
Identifiers: ClinVar variation 1392519 (VCV001392519.5), dbSNP rs773110344, ClinGen allele CA8703056.

ClinVar aggregate classification (germline): Uncertain significance (1 of 4 stars; one submission).

Conditions:
Polyhydramnios, megalencephaly, and symptomatic epilepsy (PMSE). Also called: PMSE SYNDROME. Identifiers: Orphanet 500533, MedGen C1970203, MONDO:0012611, OMIM 611087.

Allele frequency attached by ClinVar (database versions not stated): TOPMed below 0.00001; ExAC 0.00001; gnomAD exomes 0.00001.

Submission:

Labcorp Genetics (formerly Invitae), Labcorp
Classification: Uncertain significance for Polyhydramnios, megalencephaly, and symptomatic epilepsy. Last evaluated: 2024-02-17. Review status: criteria provided, single submitter. Criteria: Invitae Variant Classification Sherloc (09022015). Collection method: clinical testing. Allele origin: germline.
Comment: This sequence change replaces threonine, which is neutral and polar, with alanine, which is neutral and non-polar, at codon 419 of the STRADA protein (p.Thr419Ala). This variant is present in population databases (rs773110344, gnomAD 0.006%). This variant has not been reported in the literature in individuals affected with STRADA-related conditions. ClinVar contains an entry for this variant (Variation ID: 1392519). Algorithms developed to predict the effect of missense changes on protein structure and function output the following: SIFT: "Not Available"; PolyPhen-2: "Benign"; Align-GVGD: "Not Available". The alanine amino acid residue is found in multiple mammalian species, which suggests that this missense change does not adversely affect protein function. In summary, the available evidence is currently insufficient to determine the role of this variant in disease. Therefore, it has been classified as a Variant of Uncertain Significance.